The following is an entry in ClinVar:

ClinVar aggregate classification (germline): Uncertain significance (1 of 4 stars; one submission).

Conditions:
X-linked Alport syndrome (ATS1). Also called: COL4A5-Related Nephropathy; NEPHROPATHY AND DEAFNESS, X-LINKED. Identifiers: Orphanet 63, Orphanet 88917, MedGen C4746986, MONDO:0010520, OMIM 301050.

Submission:

MVZ Medizinische Genetik Mainz
Classification: Uncertain significance for X-linked Alport syndrome. Last evaluated: 2025-07-28. Review status: criteria provided, single submitter. Criteria: UK Practice Guidelines For Variant Classification V4 01 2020. Collection method: clinical testing. Allele origin: germline. Inheritance: X-linked dominant inheritance. Affected: yes. Observed: 1 variant allele.
Comment: ACMG Criteria: PM2_SUP,PP3,PP4

NM_033380.3(COL4A5):c.1515A>G (p.Pro505=)

Gene: COL4A5 (collagen type IV alpha 5 chain; plus strand). Cytogenetic location: Xq22.3.
Variant type: single nucleotide variant.
Coding change: c.1515A>G on transcript NM_033380.3 (MANE Select); coding-DNA position 1515, A replaced by G.
Protein change: p.Pro505=; no amino-acid change (proline 505 retained).
Molecular consequence: synonymous variant.
Genome position (GRCh38, 1-based): chrX:108,595,600, A>G. VCF-style: chrX-108595600-A-G. GRCh37 (hg19) VCF-style: chrX-107838830-A-G.
Other names: c.1515A>G, p.Pro505= (NM_000495.5).
Identifiers: ClinVar variation 4077062 (VCV004077062.1).